The following is an entry in ClinVar:

ClinVar aggregate classification (germline): Uncertain significance. Review status: criteria provided, multiple submitters, no conflicts (2 of 4 stars). 2 submissions from 2 submitters: Uncertain significance (2). Last evaluated 2022-06-20.

Conditions:
Primary ciliary dyskinesia. Also called: Ciliary dyskinesia. Identifiers: Orphanet 244, MedGen C0008780, MONDO:0016575, HP:0012265.

gnomAD v4.1: 1 of 1,613,412 alleles (0.000062%); no homozygotes.

Submissions (2):

Labcorp Genetics (formerly Invitae), Labcorp
Classification: Uncertain significance for Primary ciliary dyskinesia. Last evaluated: 2022-06-20. Review status: criteria provided, single submitter. Criteria: Invitae Variant Classification Sherloc (09022015). Collection method: clinical testing. Allele origin: germline.
Comment: This sequence change replaces histidine, which is basic and polar, with asparagine, which is neutral and polar, at codon 591 of the DNAH11 protein (p.His591Asn). This variant is not present in population databases (gnomAD no frequency). This variant has not been reported in the literature in individuals affected with DNAH11-related conditions. ClinVar contains an entry for this variant (Variation ID: 1310509). Advanced modeling of protein sequence and biophysical properties (such as structural, functional, and spatial information, amino acid conservation, physicochemical variation, residue mobility, and thermodynamic stability) performed at Invitae indicates that this missense variant is not expected to disrupt DNAH11 protein function. In summary, the available evidence is currently insufficient to determine the role of this variant in disease. Therefore, it has been classified as a Variant of Uncertain Significance.

GeneDx
Classification: Uncertain significance. Last evaluated: 2019-11-19. Review status: criteria provided, single submitter. Criteria: GeneDx Variant Classification Process June 2021. Collection method: clinical testing. Allele origin: germline. Affected: yes.
Comment: In silico analysis, which includes protein predictors and evolutionary conservation, supports that this variant does not alter protein structure/function; Not observed in large population cohorts (Lek et al., 2016); Has not been previously published as pathogenic or benign to our knowledge

NM_001277115.2(DNAH11):c.1771C>A (p.His591Asn)

Gene: DNAH11 (dynein axonemal heavy chain 11; plus strand). Cytogenetic location: 7p15.3.
Variant type: single nucleotide variant.
Coding change: c.1771C>A on transcript NM_001277115.2 (MANE Select); coding-DNA position 1771, C replaced by A.
Protein change: p.His591Asn; replaces histidine 591 with asparagine.
Molecular consequence: missense variant.
Genome position (GRCh38, 1-based): chr7:21,588,124, C>A. VCF-style: chr7-21588124-C-A. GRCh37 (hg19) VCF-style: chr7-21627742-C-A.
Other names: short protein forms H591N.
Identifiers: ClinVar variation 1310509 (VCV001310509.7), dbSNP rs1583505393, ClinGen allele CA366938519.